The following is an entry in ClinVar:

ClinVar aggregate classification (germline): Uncertain significance (1 of 4 stars; one submission).

Submission:

GeneDx
Classification: Uncertain significance. Last evaluated: 2020-06-29. Review status: criteria provided, single submitter. Criteria: GeneDx Variant Classification Process June 2021. Collection method: clinical testing. Allele origin: germline. Affected: yes.
Comment: Not observed in large population cohorts (Lek et al., 2016); In silico analysis supports that this missense variant has a deleterious effect on protein structure/function; Has not been previously published as pathogenic or benign to our knowledge

NM_002816.5(PSMD12):c.853G>C (p.Asp285His)

Gene: PSMD12 (proteasome 26S subunit, non-ATPase 12; minus strand). Cytogenetic location: 17q24.2.
Variant type: single nucleotide variant.
Coding change: c.853G>C on transcript NM_002816.5 (MANE Select); coding-DNA position 853, G replaced by C.
Protein change: p.Asp285His; replaces aspartic acid 285 with histidine.
Molecular consequence: missense variant.
Genome position (GRCh38, 1-based): chr17:67,345,800, C>G on the plus strand (G>C on the coding strand, the complement: PSMD12 is on the minus strand). VCF-style: chr17-67345800-C-G. GRCh37 (hg19) VCF-style: chr17-65341916-C-G.
Other names: c.676G>C, p.Asp226His (NM_001316341.2); c.793G>C, p.Asp265His (NM_174871.4); short protein forms D226H, D265H, D285H.
Identifiers: ClinVar variation 1304060 (VCV001304060.2), dbSNP rs2143691921, ClinGen allele CA400804298.